The following is an entry in ClinVar:

NM_001365536.1(SCN9A):c.4804T>G (p.Tyr1602Asp)

Genes: SCN1A-AS1 (SCN1A and SCN9A antisense RNA 1; plus strand), SCN9A (sodium voltage-gated channel alpha subunit 9; minus strand). Cytogenetic location: 2q24.3.
Variant type: single nucleotide variant.
Coding change: c.4804T>G on transcript NM_001365536.1 (MANE Select); coding-DNA position 4804, T replaced by G.
Protein change: p.Tyr1602Asp; replaces tyrosine 1602 with aspartic acid.
Molecular consequence: missense variant.
Genome position (GRCh38, 1-based): chr2:166,199,835, A>C on the plus strand (T>G on the coding strand, the complement: SCN9A is on the minus strand). VCF-style: chr2-166199835-A-C. GRCh37 (hg19) VCF-style: chr2-167056345-A-C.
Other names: c.4771T>G, p.Tyr1591Asp (NM_002977.4); short protein forms Y1602D, Y1591D.
Identifiers: ClinVar variation 2941556 (VCV002941556.3), dbSNP rs1693397175, ClinGen allele CA349055773.

ClinVar aggregate classification (germline): Uncertain significance (1 of 4 stars; one submission).

Conditions:
Neuropathy, hereditary sensory and autonomic, type 2A (HSAN2A). Also called: ACROOSTEOLYSIS, GIACCAI TYPE; ACROOSTEOLYSIS, NEUROGENIC; MORVAN DISEASE; NEUROPATHY, CONGENITAL SENSORY; NEUROPATHY, HEREDITARY SENSORY RADICULAR, AUTOSOMAL RECESSIVE; NEUROPATHY, HEREDITARY SENSORY, TYPE IIA. Identifiers: Orphanet 970, MedGen C2752089, MONDO:0024309, OMIM 201300.
Generalized epilepsy with febrile seizures plus, type 7 (GEFSP7). Also called: GEFS+, TYPE 7. Identifiers: Orphanet 36387, MedGen C2751778, MONDO:0013470, OMIM 613863.

Submission:

Labcorp Genetics (formerly Invitae), Labcorp
Classification: Uncertain significance for Neuropathy, hereditary sensory and autonomic, type 2A; Generalized epilepsy with febrile seizures plus, type 7. Last evaluated: 2023-07-17. Review status: criteria provided, single submitter. Criteria: Invitae Variant Classification Sherloc (09022015). Collection method: clinical testing. Allele origin: germline.
Comment: In summary, the available evidence is currently insufficient to determine the role of this variant in disease. Therefore, it has been classified as a Variant of Uncertain Significance. Advanced modeling of protein sequence and biophysical properties (such as structural, functional, and spatial information, amino acid conservation, physicochemical variation, residue mobility, and thermodynamic stability) has been performed at Invitae for this missense variant, however the output from this modeling did not meet the statistical confidence thresholds required to predict the impact of this variant on SCN9A protein function. This variant has not been reported in the literature in individuals affected with SCN9A-related conditions. This variant is not present in population databases (gnomAD no frequency). This sequence change replaces tyrosine, which is neutral and polar, with aspartic acid, which is acidic and polar, at codon 1591 of the SCN9A protein (p.Tyr1591Asp).